The following is an entry in ClinVar:

NM_016507.4(CDK12):c.950G>A (p.Gly317Asp)

Genes: CDK12 (cyclin dependent kinase 12; plus strand), LOC126862553 (CDK7 strongly-dependent group 2 enhancer GRCh37_chr17:37618166-37619365; plus strand). Cytogenetic location: 17q12.
Variant type: single nucleotide variant.
Coding change: c.950G>A on transcript NM_016507.4 (MANE Select); coding-DNA position 950, G replaced by A.
Protein change: p.Gly317Asp; replaces glycine 317 with aspartic acid.
Molecular consequence: missense variant.
Genome position (GRCh38, 1-based): chr17:39,463,021, G>A. VCF-style: chr17-39463021-G-A. GRCh37 (hg19) VCF-style: chr17-37619274-G-A.
Other names: c.950G>A, p.Gly317Asp (NM_015083.4); short protein forms G317D.
Identifiers: ClinVar variation 4841698 (VCV004841698.1).

ClinVar aggregate classification (germline): Uncertain significance (1 of 4 stars; one submission).

gnomAD v4.1: 1 of 1,614,180 alleles (0.000062%); highest among the groups gnomAD compares: South Asian, 0.0011%; no homozygotes.

Submission:

Ambry Genetics
Classification: Uncertain significance. Last evaluated: 2026-01-06. Review status: criteria provided, single submitter. Criteria: Ambry Variant Classification Scheme 2023. Collection method: clinical testing. Allele origin: germline.
Comment: The p.G317D variant (also known as c.950G>A), located in coding exon 1 of the CDK12 gene, results from a G to A substitution at nucleotide position 950. The glycine at codon 317 is replaced by aspartic acid, an amino acid with similar properties. This amino acid position is conserved. In addition, the in silico prediction for this alteration is inconclusive. Based on the available evidence, the clinical significance of this variant remains unclear.